The following is an entry in ClinVar:

NM_015386.3(COG4):c.1631C>T (p.Ala544Val)

Gene: COG4 (component of oligomeric golgi complex 4; minus strand). Cytogenetic location: 16q22.1.
Variant type: single nucleotide variant.
Coding change: c.1631C>T on transcript NM_015386.3 (MANE Select); coding-DNA position 1631, C replaced by T.
Protein change: p.Ala544Val; replaces alanine 544 with valine.
Molecular consequence: missense variant. On other transcripts: non-coding transcript variant (1).
Genome position (GRCh38, 1-based): chr16:70,496,282, G>A on the plus strand (C>T on the coding strand, the complement: COG4 is on the minus strand). VCF-style: chr16-70496282-G-A. GRCh37 (hg19) VCF-style: chr16-70530185-G-A.
Other names: c.1619C>T, p.Ala540Val (NM_001195139.2); c.1205C>T, p.Ala402Val (NM_001365426.1); short protein forms A544V, A402V, A540V.
Identifiers: ClinVar variation 320370 (VCV000320370.13), dbSNP rs886052258, ClinGen allele CA10638260.

ClinVar aggregate classification (germline): Uncertain significance. Review status: criteria provided, multiple submitters, no conflicts (2 of 4 stars). 4 submissions from 4 submitters: Uncertain significance (4). Last evaluated 2025-09-10.

Conditions:
Inborn genetic diseases. Identifiers: MedGen C0950123, MeSH D030342.
Microcephalic osteodysplastic dysplasia, Saul-Wilson type. Also called: Saul-Wilson Syndrome; MICROCEPHALIC OSTEODYSPLASTIC DYSPLASIA. Identifiers: Orphanet 85172, MedGen C4509877, MONDO:0019407, OMIM 618150.
COG4-congenital disorder of glycosylation. Also called: CONGENITAL DISORDER OF GLYCOSYLATION, TYPE IIj; CDG IIj; COG4-CDG. Identifiers: Orphanet 263501, MedGen C4303552, MONDO:0013281, OMIM 613489.

Allele frequency attached by ClinVar (database versions not stated): gnomAD 0.00001; gnomAD exomes 0.00002 and 0.00004; TOPMed 0.00004.
gnomAD v4.1: 66 of 1,614,018 alleles (0.0041%); highest among the groups gnomAD compares: African/African-American, 0.0053%; no homozygotes.

Submissions (4):

Genomic Medicine Center of Excellence, King Faisal Specialist Hospital and Research Centre
Classification: Uncertain significance for Microcephalic osteodysplastic dysplasia, Saul-Wilson type. Last evaluated: 2025-09-10. Review status: criteria provided, single submitter. Criteria: ACMG Guidelines, 2015. Collection method: clinical testing. Allele origin: germline.

Ambry Genetics
Classification: Uncertain significance for Inborn genetic diseases. Last evaluated: 2023-08-21. Review status: criteria provided, single submitter. Criteria: Ambry Variant Classification Scheme 2023. Collection method: clinical testing. Allele origin: germline.

Labcorp Genetics (formerly Invitae), Labcorp
Classification: Uncertain significance for COG4-congenital disorder of glycosylation. Last evaluated: 2020-03-01. Review status: criteria provided, single submitter. Criteria: Invitae Variant Classification Sherloc (09022015). Collection method: clinical testing. Allele origin: germline.
Comment: This sequence change replaces alanine with valine at codon 544 of the COG4 protein (p.Ala544Val). The alanine residue is highly conserved and there is a small physicochemical difference between alanine and valine. In summary, the available evidence is currently insufficient to determine the role of this variant in disease. Therefore, it has been classified as a Variant of Uncertain Significance. Algorithms developed to predict the effect of sequence changes on RNA splicing suggest that this variant may create or strengthen a splice site, but this prediction has not been confirmed by published transcriptional studies. Algorithms developed to predict the effect of missense changes on protein structure and function are either unavailable or do not agree on the potential impact of this missense change (SIFT: "Deleterious"; PolyPhen-2: "Possibly Damaging"; Align-GVGD: "Class C0"). This variant has not been reported in the literature in individuals with COG4-related conditions. ClinVar contains an entry for this variant (Variation ID: 320370). This variant is not present in population databases (ExAC no frequency).

Breakthrough Genomics
Classification: Uncertain significance. Review status: criteria provided, single submitter. Criteria: ACMG Guidelines, 2015. Collection method: not provided. Allele origin: germline. Inheritance: Autosomal recessive inheritance. Affected: yes.